The following is an entry in ClinVar:

ClinVar aggregate classification (germline): Likely benign (1 of 4 stars; one submission).

Allele frequency attached by ClinVar (database versions not stated): gnomAD exomes below 0.00001.
gnomAD v4.1: 2 of 1,614,120 alleles (0.00012%); highest among the groups gnomAD compares: Non-Finnish European, 0.00017%; no homozygotes.

Submission:

CeGaT Center for Human Genetics Tuebingen
Classification: Likely benign. Last evaluated: 2022-04-01. Review status: criteria provided, single submitter. Criteria: CeGaT Center For Human Genetics Tuebingen Variant Classification Criteria Version 2. Collection method: clinical testing. Allele origin: germline. Affected: yes. Observed: 1 variant allele.
Comment: PLA2G6: PM2:Supporting, BP4, BP7

NM_003560.4(PLA2G6):c.1200G>A (p.Lys400=)

Gene: PLA2G6 (phospholipase A2 group VI; minus strand). Cytogenetic location: 22q13.1.
Variant type: single nucleotide variant.
Coding change: c.1200G>A on transcript NM_003560.4 (MANE Select); coding-DNA position 1200, G replaced by A.
Protein change: p.Lys400=; no amino-acid change (lysine 400 retained).
Molecular consequence: synonymous variant. On other transcripts: intron variant (5).
Genome position (GRCh38, 1-based): chr22:38,128,417, C>T on the plus strand (G>A on the coding strand, the complement: PLA2G6 is on the minus strand). VCF-style: chr22-38128417-C-T. GRCh37 (hg19) VCF-style: chr22-38524424-C-T.
Other names: c.1200G>A, p.Lys400= (NM_001349864.2); c.666G>A, p.Lys222= (NM_001349867.2); c.522G>A, p.Lys174= (NM_001349868.2); c.1186+1037G>A (NM_001349866.2, NM_001199562.3, NM_001349865.2 and 1 more transcripts); c.652+1037G>A (NM_001349869.2).
Identifiers: ClinVar variation 1695046 (VCV001695046.31), dbSNP rs2145748343, ClinGen allele CA514548283.